The following is an entry in ClinVar:

NM_001084.5(PLOD3):c.1005+5G>A

Gene: PLOD3 (procollagen-lysine,2-oxoglutarate 5-dioxygenase 3; minus strand). Cytogenetic location: 7q22.1.
Variant type: single nucleotide variant.
Coding change: c.1005+5G>A on transcript NM_001084.5 (MANE Select); 5 bases into the intron after coding-DNA position 1005, G replaced by A.
Molecular consequence: intron variant.
Genome position (GRCh38, 1-based): chr7:101,212,525, C>T on the plus strand (G>A on the coding strand, the complement: PLOD3 is on the minus strand). VCF-style: chr7-101212525-C-T. GRCh37 (hg19) VCF-style: chr7-100855806-C-T.
Identifiers: ClinVar variation 1425939 (VCV001425939.6), dbSNP rs2116804626, ClinGen allele CA2573141368.
Genomic context (GRCh38, chr7:101,212,525, plus strand): 5'-CACGAGAGTTCTGATCAGGGCAGGGAAAGGGTCCCTCAGGAGAGGCTCCAACAGGGGAGT[C>T]TCACGTTGTTGTGCAGGAAAAGGGTGACCCTGTCGGGGGGATAGTCCAGGAGTAGCAGCC-3'

ClinVar aggregate classification (germline): Uncertain significance (1 of 4 stars; one submission).

Submission:

Labcorp Genetics (formerly Invitae), Labcorp
Classification: Uncertain significance. Last evaluated: 2021-11-13. Review status: criteria provided, single submitter. Criteria: Invitae Variant Classification Sherloc (09022015). Collection method: clinical testing. Allele origin: germline.
Comment: In summary, the available evidence is currently insufficient to determine the role of this variant in disease. Therefore, it has been classified as a Variant of Uncertain Significance. Variants that disrupt the consensus splice site are a relatively common cause of aberrant splicing (PMID: 17576681, 9536098). Algorithms developed to predict the effect of sequence changes on RNA splicing suggest that this variant may disrupt the consensus splice site. This variant has not been reported in the literature in individuals affected with PLOD3-related conditions. This variant is not present in population databases (gnomAD no frequency). This sequence change falls in intron 9 of the PLOD3 gene. It does not directly change the encoded amino acid sequence of the PLOD3 protein. It affects a nucleotide within the consensus splice site.

Literature cited by the submitters: PubMed 17576681; PubMed 9536098.